The following is an entry in ClinVar:

NM_001365536.1(SCN9A):c.417C>A (p.Asn139Lys)

Gene: SCN9A (sodium voltage-gated channel alpha subunit 9; minus strand). Cytogenetic location: 2q24.3.
Variant type: single nucleotide variant.
Coding change: c.417C>A on transcript NM_001365536.1 (MANE Select); coding-DNA position 417, C replaced by A.
Protein change: p.Asn139Lys; replaces asparagine 139 with lysine.
Molecular consequence: missense variant.
Genome position (GRCh38, 1-based): chr2:166,306,560, G>T on the plus strand (C>A on the coding strand, the complement: SCN9A is on the minus strand). VCF-style: chr2-166306560-G-T. GRCh37 (hg19) VCF-style: chr2-167163070-G-T.
Other names: c.417C>A, p.Asn139Lys (NM_002977.4); short protein forms N139K.
Identifiers: ClinVar variation 448294 (VCV000448294.9), dbSNP rs1553496443, ClinGen allele CA349095412.
Genomic context (GRCh38, chr2:166,306,560, plus strand): 5'-ACCCACTTACTCGACATTTTTGGTCCAGTCCGGTGGGTTATTCATGGTCATAAATATGCA[G>T]TTTGTCAGAATAGTGCACATGATGAGCATGCTGAATAAGGTAGCTTAGAATCAAGGAACA-3'
Protein context (NP_001352465.1, residues 129-149): SMLIMCTILT[Asn139Lys]CIFMTMNNPP

ClinVar aggregate classification (germline): Uncertain significance. Review status: criteria provided, multiple submitters, no conflicts (2 of 4 stars). 3 submissions from 3 submitters: Uncertain significance (3). Last evaluated 2023-06-18.

Conditions:
Inborn genetic diseases. Identifiers: MedGen C0950123, MeSH D030342.
Generalized epilepsy with febrile seizures plus, type 7 (GEFSP7). Also called: GEFS+, TYPE 7. Identifiers: Orphanet 36387, MedGen C2751778, MONDO:0013470, OMIM 613863.
Neuropathy, hereditary sensory and autonomic, type 2A (HSAN2A). Also called: NEUROPATHY, CONGENITAL SENSORY; NEUROPATHY, HEREDITARY SENSORY RADICULAR, AUTOSOMAL RECESSIVE; NEUROPATHY, HEREDITARY SENSORY, TYPE IIA; NEUROPATHY, PROGRESSIVE SENSORY, OF CHILDREN; HSAN IIA; MORVAN DISEASE. Identifiers: Orphanet 970, MedGen C2752089, MONDO:0024309, OMIM 201300.

Allele frequency attached by ClinVar (database versions not stated): gnomAD exomes below 0.00001.
gnomAD v4.1: 1 of 1,584,350 alleles (0.000063%); highest among the groups gnomAD compares: Non-Finnish European, 0.000086%; no homozygotes.

Submissions (3):

Labcorp Genetics (formerly Invitae), Labcorp
Classification: Uncertain significance for Neuropathy, hereditary sensory and autonomic, type 2A; Generalized epilepsy with febrile seizures plus, type 7. Last evaluated: 2023-06-18. Review status: criteria provided, single submitter. Criteria: Invitae Variant Classification Sherloc (09022015). Collection method: clinical testing. Allele origin: germline.
Comment: Algorithms developed to predict the effect of sequence changes on RNA splicing suggest that this variant may disrupt the consensus splice site. Advanced modeling of protein sequence and biophysical properties (such as structural, functional, and spatial information, amino acid conservation, physicochemical variation, residue mobility, and thermodynamic stability) has been performed at Invitae for this missense variant, however the output from this modeling did not meet the statistical confidence thresholds required to predict the impact of this variant on SCN9A protein function. ClinVar contains an entry for this variant (Variation ID: 448294). This variant has not been reported in the literature in individuals affected with SCN9A-related conditions. This variant is not present in population databases (gnomAD no frequency). This sequence change replaces asparagine, which is neutral and polar, with lysine, which is basic and polar, at codon 139 of the SCN9A protein (p.Asn139Lys). In summary, the available evidence is currently insufficient to determine the role of this variant in disease. Therefore, it has been classified as a Variant of Uncertain Significance.

Ambry Genetics
Classification: Uncertain significance for Inborn genetic diseases. Last evaluated: 2020-02-19. Review status: criteria provided, single submitter. Criteria: Ambry Variant Classification Scheme 2023. Collection method: clinical testing. Allele origin: germline.
Comment: The p.N139K variant (also known as c.417C>A), located in coding exon 3 of the SCN9A gene, results from a C to A substitution at nucleotide position 417. The asparagine at codon 139 is replaced by lysine, an amino acid with similar properties. This amino acid position is highly conserved in available vertebrate species. In addition, the in silico prediction for this variant is inconclusive. Since supporting evidence is limited at this time, the clinical significance of this alteration remains unclear.

Athena Diagnostics
Classification: Uncertain significance. Last evaluated: 2017-04-25. Review status: criteria provided, single submitter. Criteria: Athena Diagnostics Criteria. Collection method: clinical testing. Allele origin: germline.